The following is an entry in ClinVar:

NM_002524.5(NRAS):c.553C>T (p.Pro185Ser)

Gene: NRAS (NRAS proto-oncogene, GTPase; minus strand). Cytogenetic location: 1p13.2.
Variant type: single nucleotide variant.
Coding change: c.553C>T on transcript NM_002524.5 (MANE Select); coding-DNA position 553, C replaced by T.
Protein change: p.Pro185Ser; replaces proline 185 with serine.
Molecular consequence: missense variant.
Genome position (GRCh38, 1-based): chr1:114,708,552, G>A on the plus strand (C>T on the coding strand, the complement: NRAS is on the minus strand). VCF-style: chr1-114708552-G-A. GRCh37 (hg19) VCF-style: chr1-115251173-G-A.
Other names: p.P185S:CCA>TCA; NM_002524.5(NRAS):c.553C>T; short protein forms P185S.
Identifiers: ClinVar variation 179025 (VCV000179025.23), dbSNP rs374061873, ClinGen allele CA183538.

ClinVar aggregate classification (germline): Uncertain significance. Review status: reviewed by expert panel (3 of 4 stars). 11 submissions from 11 submitters: Uncertain significance (1). 10 of the submissions do not count toward it. Last evaluated 2024-12-03.

Conditions:
NRAS-related disorder. Also called: NRAS-related condition.
RASopathy. Also called: Noonan spectrum disorder; rasopathies. Identifiers: Orphanet 536391, MedGen C5555857, MONDO:0021060.
Noonan syndrome (NS). Also called: Noonan's syndrome. Identifiers: Orphanet 648, MedGen C0028326, MeSH D009634, MONDO:0018997. Disease mechanism: gain of function.
Noonan syndrome 6 (NS6). Also called: NRAS-Related Noonan Syndrome. Identifiers: Orphanet 648, MedGen C2750732, MONDO:0013186, OMIM 613224.

Allele frequency attached by ClinVar (database versions not stated): gnomAD 0.00003 and 0.00007; ExAC 0.00006; gnomAD exomes 0.00007 and 0.00008; TOPMed 0.00007 and 0.00011; ESP Exome Variant Server 0.00008.
gnomAD v4.1: 127 of 1,613,544 alleles (0.0079%); highest among the groups gnomAD compares: Admixed American, 0.012%; no homozygotes.

Submissions (11):

ClinGen RASopathy Variant Curation Expert Panel
Classification: Uncertain significance for RASopathy. Last evaluated: 2024-12-03. Review status: reviewed by expert panel. Criteria: ClinGen RASopathy ACMG Specifications NRAS V2.3.0. Collection method: curation. Allele origin: germline. Inheritance: Autosomal dominant inheritance.
Comment: The NM_002524.5:c.553C>T variant in NRAS is a missense variant predicted to cause substitution of proline by serine at amino acid 185 (p.Pro185Ser). The highest population minor allele frequency in gnomAD v2.1.1 is 0.00006663 (14/129152 alleles) in the European (non-Finnish) population (Optional: PM2_Supporting, BS1, and BA1 are not met). The computational predictor REVEL gives a score of 0.051, which is below the threshold of 0.3, evidence that does not predict a damaging effect on NRAS function (BP4). In summary, this variant meets the criteria to be classified as uncertain significance for autosomal dominant RASopathy based on the ACMG/AMP criteria applied, as specified by the ClinGen RASopathy VCEP: BP4 (ClinGen RASopathy VCEP specifications version 2.3; 12/3/2024)

Labcorp Genetics (formerly Invitae), Labcorp
Classification: Uncertain significance for RASopathy. Last evaluated: 2026-01-22. Review status: criteria provided, single submitter. Criteria: Invitae Variant Classification Sherloc (09022015). Collection method: clinical testing. Allele origin: germline. Not counted in ClinVar's aggregate classification.
Comment: This sequence change replaces proline, which is neutral and non-polar, with serine, which is neutral and polar, at codon 185 of the NRAS protein (p.Pro185Ser). This variant is present in population databases (rs374061873, gnomAD 0.01%). This variant has not been reported in the literature in individuals affected with NRAS-related conditions. ClinVar contains an entry for this variant (Variation ID: 179025). Invitae Evidence Modeling of protein sequence and biophysical properties (such as structural, functional, and spatial information, amino acid conservation, physicochemical variation, residue mobility, and thermodynamic stability) indicates that this missense variant is not expected to disrupt NRAS protein function with a negative predictive value of 95%. In summary, the available evidence is currently insufficient to determine the role of this variant in disease. Therefore, it has been classified as a Variant of Uncertain Significance.

Clinical Genomics Laboratory, Washington University in St. Louis
Classification: Uncertain significance for Noonan syndrome 6. Last evaluated: 2025-11-30. Review status: criteria provided, single submitter. Criteria: ACMG Guidelines, 2015. Collection method: clinical testing. Allele origin: germline. Not counted in ClinVar's aggregate classification.
Comment: An NRAS c.553C>T (p.Pro185Ser) variant was identified at a near heterozygous allelic fraction of 48.3%, a frequency which may be consistent with germline origin. This variant, to our knowledge, has not been reported in the medical literature but has been reported in the ClinVar database as a germline variant of uncertain significance by five submitters, including an expert panel, and a likely benign variant by four submitters (ClinVar variation ID: 179025). It is observed on 127/1,613,544 alleles in the general population (gnomAD v4.1.0). Computational predictors suggest that the variant does not impact NRAS function. Due to limited information, and based on ACMG/AMP guidelines for variant interpretation (Richards S et al., PMID: 25741868) and gene specific practices from the ClinGen specification registry (Wilcox EH et al., PMID: 40496714), the clinical significance of this variant is uncertain at this time.

Women's Health and Genetics/Laboratory Corporation of America, LabCorp
Classification: Likely benign. Last evaluated: 2024-11-22. Review status: criteria provided, single submitter. Criteria: LabCorp Variant Classification Summary - May 2015. Collection method: clinical testing. Allele origin: germline. Not counted in ClinVar's aggregate classification.
Comment: Variant summary: NRAS c.553C>T (p.Pro185Ser) results in a non-conservative amino acid change in the encoded protein sequence. Four of five in-silico tools predict a benign effect of the variant on protein function. The variant allele was found at a frequency of 6.8e-05 in 251444 control chromosomes. The observed variant frequency is approximately 27.044 fold of the estimated maximal expected allele frequency for a pathogenic variant in NRAS causing Noonan Syndrome phenotype (2.5e-06). To our knowledge, no occurrence of c.553C>T in individuals affected with Noonan Syndrome and no experimental evidence demonstrating its impact on protein function have been reported. ClinVar contains an entry for this variant (Variation ID: 179025). Based on the evidence outlined above, the variant was classified as likely benign.

ARUP Laboratories, Molecular Genetics and Genomics, ARUP Laboratories
Classification: Uncertain significance. Last evaluated: 2024-09-20. Review status: criteria provided, single submitter. Criteria: ARUP Molecular Germline Variant Investigation Process 2024. Collection method: clinical testing. Allele origin: germline. Not counted in ClinVar's aggregate classification.
Comment: The NRAS c.553C>T; p.Pro185Ser variant (rs374061873), to our knowledge, is not reported in the medical literature but is reported in ClinVar (Variation ID: 179025). This variant is found in the general population with an overall allele frequency of 0.006% (18/282840 alleles) in the Genome Aggregation Database (v2.1.1). Computational analyses predict that this variant is neutral (REVEL: 0.051). Due to limited information, the clinical significance of this variant is uncertain at this time.

Blueprint Genetics
Classification: Uncertain significance. Last evaluated: 2024-03-15. Review status: criteria provided, single submitter. Criteria: ACMG Guidelines, 2015. Collection method: clinical testing. Allele origin: germline. Not counted in ClinVar's aggregate classification.

Illumina Laboratory Services, Illumina
Classification: Uncertain significance for Noonan syndrome 6. Last evaluated: 2018-01-13. Review status: criteria provided, single submitter. Criteria: ICSL Variant Classification Criteria 13 December 2019. Collection method: clinical testing. Allele origin: germline. Not counted in ClinVar's aggregate classification.

Laboratory for Molecular Medicine, Mass General Brigham Personalized Medicine
Classification: Likely benign. Last evaluated: 2014-07-15. Review status: criteria provided, single submitter. Criteria: LMM Criteria. Collection method: clinical testing. Allele origin: germline. Observed: 2 variant alleles. Not counted in ClinVar's aggregate classification.
Comment: Pro185Ser in exon 5 of NRAS: This variant has not been previously reported in in dividuals with clinical features of Noonan syndrome, but has been identified in 1/8600 European American chromosomes by the NHLBI Exome Sequencing Project (dbSNP rs374061873). Pro185 is not well co nserved across species and the change to Serine (ser) has been seen in multiple mammals (shrew, opossum, and Tasmanian devil) and in many other more evolutionar ily distant species, suggesting that this change might be tolerated. Other compu tational prediction tools suggest that this variant may not impact the protein. In summary, the Pro185Ser variant is classified as likely benign based on its la ck of conservation and presence in an unaffected parent.

GeneDx
Classification: Likely benign. Last evaluated: 2013-06-17. Review status: criteria provided, single submitter. Criteria: GeneDx Variant Classification (06012015). Collection method: clinical testing. Allele origin: germline. Affected: yes. Not counted in ClinVar's aggregate classification.
Comment: This variant is considered likely benign or benign based on one or more of the following criteria: it is a conservative change, it occurs at a poorly conserved position in the protein, it is predicted to be benign by multiple in silico algorithms, and/or has population frequency not consistent with disease.

PreventionGenetics, part of Exact Sciences
Classification: Uncertain significance for NRAS-related condition. Last evaluated: 2023-12-11. Review status: no assertion criteria provided. Collection method: clinical testing. Allele origin: germline. Not counted in ClinVar's aggregate classification.
Comment: The NRAS c.553C>T variant is predicted to result in the amino acid substitution p.Pro185Ser. To our knowledge, this variant has not been reported in the literature. This variant is reported in 0.011% of alleles in individuals of European (Non-Finnish) descent in gnomAD. At this time, the clinical significance of this variant is uncertain due to the absence of conclusive functional and genetic evidence.

Service de Génétique Moléculaire, Hôpital Robert Debré
Classification: Likely benign for Noonan syndrome. Review status: no assertion criteria provided. Collection method: clinical testing. Allele origin: maternal. Affected: no. Not counted in ClinVar's aggregate classification.